The following is an entry in ClinVar:

ClinVar aggregate classification (germline): Conflicting classifications of pathogenicity. Review status: criteria provided, conflicting classifications (1 of 4 stars). 5 submissions from 5 submitters: Uncertain significance (1); Likely benign (4). Last evaluated 2025-12-26.

Conditions:
Aortic aneurysm, familial thoracic 4 (AAT4). Also called: AORTIC ANEURYSM/AORTIC DISSECTION AND PATENT DUCTUS ARTERIOSUS. Identifiers: MedGen C1851504, MONDO:0007568, OMIM 132900.
Familial thoracic aortic aneurysm and aortic dissection (TAAD). Also called: Thoracic aortic aneurysms and dissections. Identifiers: Orphanet 91387, MedGen C4707243, MONDO:0019625.

Allele frequency attached by ClinVar (database versions not stated): gnomAD 0.00001; gnomAD exomes 0.00001 and 0.00002; TOPMed 0.00002; ExAC 0.00003.
gnomAD v4.1: 20 of 1,613,584 alleles (0.0012%); highest among the groups gnomAD compares: Admixed American, 0.0033%; no homozygotes.

Submissions (5):

Labcorp Genetics (formerly Invitae), Labcorp
Classification: Likely benign for Aortic aneurysm, familial thoracic 4. Last evaluated: 2025-12-26. Review status: criteria provided, single submitter. Criteria: Invitae Variant Classification Sherloc (09022015). Collection method: clinical testing. Allele origin: germline.

Blueprint Genetics
Classification: Likely benign. Last evaluated: 2024-09-02. Review status: criteria provided, single submitter. Criteria: ACMG Guidelines, 2015. Collection method: clinical testing. Allele origin: germline.

All of Us Research Program, National Institutes of Health
Classification: Likely benign for Familial thoracic aortic aneurysm and aortic dissection. Last evaluated: 2024-08-13. Review status: criteria provided, single submitter. Criteria: ACMG Guidelines, 2015. Collection method: clinical testing. Allele origin: germline. Inheritance: Autosomal dominant inheritance. Observed: 5 variant alleles, 5 heterozygotes.
Comment: This study involves interpretation of variants in research participants for the purpose of population health screening. Participant phenotype was not available at the time of variant classification. Additional details can be found in publication PMID: 35346344, PMCID: PMC8962531

Color Diagnostics, LLC DBA Color Health
Classification: Likely benign for Familial thoracic aortic aneurysm and aortic dissection. Last evaluated: 2019-08-02. Review status: criteria provided, single submitter. Criteria: ACMG Guidelines, 2015. Collection method: clinical testing. Allele origin: germline.

ARUP Laboratories, Molecular Genetics and Genomics, ARUP Laboratories
Classification: Uncertain significance. Last evaluated: 2018-03-11. Review status: criteria provided, single submitter. Criteria: ARUP Molecular Germline Variant Investigation Process. Collection method: clinical testing. Allele origin: germline.
Comment: The MYH11 c.534C>T; p.Gly178Gly variant (rs764984716), to our knowledge, is not reported in the medical literature or gene specific variant databases. This is a synonymous change and the nucleotide at this position is not conserved; however, computational analyses predict that this variant may impact splicing by creating a novel cryptic donor site (Alamut software v.2.10). This variant is listed in the genome Aggregation Database (gnomAD) with an overall population frequency of 0.002% (identified on 5 out of 276,452 chromosomes). Based on the available evidence, the clinical significance of the c.534C>T variant cannot be determined with certainty.

NM_002474.3(MYH11):c.534C>T (p.Gly178=)

Gene: MYH11 (myosin heavy chain 11; minus strand). Cytogenetic location: 16p13.11.
Variant type: single nucleotide variant.
Coding change: c.534C>T on transcript NM_002474.3 (MANE Select); coding-DNA position 534, C replaced by T.
Protein change: p.Gly178=; no amino-acid change (glycine 178 retained).
Molecular consequence: synonymous variant.
Genome position (GRCh38, 1-based): chr16:15,786,729, G>A on the plus strand (C>T on the coding strand, the complement: MYH11 is on the minus strand). VCF-style: chr16-15786729-G-A. GRCh37 (hg19) VCF-style: chr16-15880586-G-A.
Other names: c.534C>T, p.Gly178= (NM_001040113.2, NM_001040114.2, NM_022844.3).
Identifiers: ClinVar variation 618232 (VCV000618232.18), dbSNP rs764984716, ClinGen allele CA7922935.